The following is an entry in ClinVar:

NM_016204.4(GDF2):c.857dup (p.Leu287fs)

Gene: GDF2 (growth differentiation factor 2; plus strand). Cytogenetic location: 10q11.22.
Variant type: Duplication.
Coding change: c.857dup on transcript NM_016204.4 (MANE Select); coding-DNA position 857, one base duplicated (A; older notation c.857dupA).
Protein change: p.Leu287fs; shifts the reading frame from leucine 287.
Molecular consequence: frameshift variant.
Genome position (GRCh38, 1-based): chr10:47,325,351, A duplicated; the last of 2 consecutive A bases (chr10:47,325,350-47,325,351); duplicating either gives the same sequence. VCF-style (leftmost placement, unchanged base first): chr10-47325349-G-GA. GRCh37 (hg19) VCF-style: chr10-48414010-C-CT.
Other names: short protein forms L287fs.
Identifiers: ClinVar variation 2969924 (VCV002969924.4), dbSNP rs1565755161, ClinGen allele CA918668515.
Genomic context (GRCh38, chr10:47,325,349, plus strand): 5'-CAAGGAGACCAGGCTGGAGCTGAGGGAGATGATCAGCCATGAACAAGAGAGCGTGCTCAA[G>GA]AAGCTGTCCAAGGACGGCTCCACAGAGGCAGGTGAGAGCAGTCACGAGGAGGACACGGAT-3'

ClinVar aggregate classification (germline): Pathogenic/Likely pathogenic. Review status: criteria provided, multiple submitters, no conflicts (2 of 4 stars). 2 submissions from 2 submitters: Pathogenic (1); Likely pathogenic (1). Last evaluated 2026-03-19.

Conditions:
Telangiectasia, hereditary hemorrhagic, type 5 (HHT5). Identifiers: Orphanet 774, MedGen C3809710, MONDO:0014217, OMIM 615506.

Submissions (2):

GeneDx
Classification: Likely pathogenic. Last evaluated: 2026-03-19. Review status: criteria provided, single submitter. Criteria: GeneDx Variant Classification Process June 2021. Collection method: clinical testing. Allele origin: germline.
Comment: Frameshift variant predicted to result in abnormal protein length as the last 143 amino acids are replaced with 10 different amino acids, and other similar variants have been reported in HGMD; Not observed at significant frequency in large population cohorts (gnomAD); This variant is associated with the following publications: (PMID: 31727138, 35346192)

Labcorp Genetics (formerly Invitae), Labcorp
Classification: Pathogenic for Telangiectasia, hereditary hemorrhagic, type 5. Last evaluated: 2023-06-29. Review status: criteria provided, single submitter. Criteria: Invitae Variant Classification Sherloc (09022015). Collection method: clinical testing. Allele origin: germline.
Comment: For these reasons, this variant has been classified as Pathogenic. This variant disrupts a region of the GDF2 protein in which other variant(s) (p.Val423Met) have been determined to be pathogenic (PMID: 30578397, 31727138). This suggests that this is a clinically significant region of the protein, and that variants that disrupt it are likely to be disease-causing. This sequence change creates a premature translational stop signal (p.Leu287Alafs*11) in the GDF2 gene. While this is not anticipated to result in nonsense mediated decay, it is expected to disrupt the last 143 amino acid(s) of the GDF2 protein. This variant is not present in population databases (gnomAD no frequency). This premature translational stop signal has been observed in individuals with autosomal dominant pulmonary arterial hypertension (PMID: 31727138, 35346192; Invitae).

Literature cited by the submitters: PubMed 30578397 (cited by Labcorp Genetics (formerly Invitae), Labcorp); PubMed 31727138 (cited by Labcorp Genetics (formerly Invitae), Labcorp); PubMed 35346192 (cited by Labcorp Genetics (formerly Invitae), Labcorp).